The following is an entry in ClinVar:

NM_000390.4(CHM):c.194del (p.Asn65fs)

Gene: CHM (CHM Rab escort protein; minus strand). Cytogenetic location: Xq21.2.
Variant type: Deletion.
Coding change: c.194del on transcript NM_000390.4 (MANE Select); coding-DNA position 194, one base deleted (A; older notation c.194delA).
Protein change: p.Asn65fs; shifts the reading frame from asparagine 65.
Molecular consequence: frameshift variant. On other transcripts: 5 prime UTR variant (4).
Genome position (GRCh38, 1-based): chrX:85,978,887, T deleted on the plus strand (A on the coding strand, the reverse complement: CHM is on the minus strand); the first of 4 consecutive T bases (chrX:85,978,887-85,978,890); deleting any one gives the same sequence. VCF-style (leftmost placement, unchanged base first): chrX-85978886-GT-G. GRCh37 (hg19) VCF-style: chrX-85233890-GT-G.
Other names: c.194del, p.Asn65fs (NM_001145414.4); c.-251del (NM_001320959.1, NM_001362517.1); c.-247del (NM_001362518.2, NM_001362519.1); short protein forms N65fs.
Identifiers: ClinVar variation 1998991 (VCV001998991.4), dbSNP rs2520318825, ClinGen allele CA2580102033.

ClinVar aggregate classification (germline): Pathogenic (1 of 4 stars; one submission).

Submission:

Labcorp Genetics (formerly Invitae), Labcorp
Classification: Pathogenic. Last evaluated: 2022-05-25. Review status: criteria provided, single submitter. Criteria: Invitae Variant Classification Sherloc (09022015). Collection method: clinical testing. Allele origin: germline.
Comment: For these reasons, this variant has been classified as Pathogenic. This variant has not been reported in the literature in individuals affected with CHM-related conditions. This variant is not present in population databases (gnomAD no frequency). This sequence change creates a premature translational stop signal (p.Asn65Thrfs*5) in the CHM gene. It is expected to result in an absent or disrupted protein product. Loss-of-function variants in CHM are known to be pathogenic (PMID: 9067750, 23811034).

Literature cited by the submitters: PubMed 9067750; PubMed 23811034.